The following is an entry in ClinVar:

NM_003119.4(SPG7):c.1324+3861del

Gene: SPG7 (SPG7 matrix AAA peptidase subunit, paraplegin; plus strand). Cytogenetic location: 16q24.3.
Variant type: Deletion.
Coding change: c.1324+3861del on transcript NM_003119.4 (MANE Select); 3861 bases into the intron after coding-DNA position 1324, one base deleted (A; older notation c.1324+3861delA).
Molecular consequence: intron variant.
Genome position (GRCh38, 1-based): chr16:89,536,497, A deleted. VCF-style (leftmost placement, unchanged base first): chr16-89536496-CA-C. GRCh37 (hg19) VCF-style: chr16-89602904-CA-C.
Other names: c.1324+3861del (NM_001363850.1); c.1325-268del (NM_199367.3).
Identifiers: ClinVar variation 673275 (VCV000673275.1), dbSNP rs1567918837, ClinGen allele CA624244794.

ClinVar aggregate classification (germline): Likely benign (1 of 4 stars; one submission).

Allele frequency attached by ClinVar (database versions not stated): gnomAD 0.01531 and 0.01638.

Submission:

GeneDx
Classification: Likely benign. Last evaluated: 2018-06-14. Review status: criteria provided, single submitter. Criteria: GeneDx Variant Classification (06012015). Collection method: clinical testing. Allele origin: germline. Affected: yes.
Comment: This variant is considered likely benign or benign based on one or more of the following criteria: it is a conservative change, it occurs at a poorly conserved position in the protein, it is predicted to be benign by multiple in silico algorithms, and/or has population frequency not consistent with disease.